The following is an entry in ClinVar:

ClinVar aggregate classification (germline): Likely benign. Review status: criteria provided, multiple submitters, no conflicts (2 of 4 stars). 2 submissions from 2 submitters: Likely benign (2). Last evaluated 2018-06-16.

Allele frequency attached by ClinVar (database versions not stated): gnomAD 0.02276 and 0.02511; TOPMed 0.02755; 1000 Genomes Project 30x 0.04950; 1000 Genomes Project 0.05371.
gnomAD v4.1: 3,834 of 152,188 alleles (2.5%); highest among the groups gnomAD compares: East Asian, 19%; 157 homozygotes.

Submissions (2):

GeneDx
Classification: Likely benign. Last evaluated: 2018-06-16. Review status: criteria provided, single submitter. Criteria: GeneDx Variant Classification (06012015). Collection method: clinical testing. Allele origin: germline. Affected: yes.
Comment: This variant is considered likely benign or benign based on one or more of the following criteria: it is a conservative change, it occurs at a poorly conserved position in the protein, it is predicted to be benign by multiple in silico algorithms, and/or has population frequency not consistent with disease.

Breakthrough Genomics
Classification: Likely benign. Review status: criteria provided, single submitter. Criteria: ACMG Guidelines, 2015. Collection method: not provided. Allele origin: germline. Inheritance: Autosomal dominant inheritance. Affected: yes.

NM_000069.3(CACNA1S):c.2551-286C>G

Gene: CACNA1S (calcium voltage-gated channel subunit alpha1 S; minus strand). Cytogenetic location: 1q32.1.
Variant type: single nucleotide variant.
Coding change: c.2551-286C>G on transcript NM_000069.3 (MANE Select); 286 bases into the intron before coding-DNA position 2551, C replaced by G.
Molecular consequence: intron variant.
Genome position (GRCh38, 1-based): chr1:201,067,279, G>C on the plus strand (C>G on the coding strand, the complement: CACNA1S is on the minus strand). VCF-style: chr1-201067279-G-C. GRCh37 (hg19) VCF-style: chr1-201036407-G-C.
Identifiers: ClinVar variation 673577 (VCV000673577.2), dbSNP rs2297899, ClinGen allele CA35971760.